The following is an entry in ClinVar:

NM_000168.6(GLI3):c.2004G>A (p.Pro668=)

Gene: GLI3 (GLI family zinc finger 3; minus strand). Cytogenetic location: 7p14.1.
Variant type: single nucleotide variant.
Coding change: c.2004G>A on transcript NM_000168.6 (MANE Select); coding-DNA position 2004, G replaced by A.
Protein change: p.Pro668=; no amino-acid change (proline 668 retained).
Molecular consequence: synonymous variant.
Genome position (GRCh38, 1-based): chr7:41,972,436, C>T on the plus strand (G>A on the coding strand, the complement: GLI3 is on the minus strand). VCF-style: chr7-41972436-C-T. GRCh37 (hg19) VCF-style: chr7-42012035-C-T.
Identifiers: ClinVar variation 910858 (VCV000910858.12), dbSNP rs867192725, ClinGen allele CA156913752.

ClinVar aggregate classification (germline): Conflicting classifications of pathogenicity. Review status: criteria provided, conflicting classifications (1 of 4 stars). 4 submissions from 3 submitters: Uncertain significance (2); Likely benign (2). Last evaluated 2025-11-13.

Conditions:
Pallister-Hall syndrome (PHS). Also called: HYPOTHALAMIC HAMARTOBLASTOMA, HYPOPITUITARISM, IMPERFORATE ANUS, AND POSTAXIAL POLYDACTYLY; GLI3-Related Pallister-Hall Syndrome. Identifiers: Orphanet 672, MedGen C0265220, MONDO:0007804, OMIM 146510.
Greig cephalopolysyndactyly syndrome (GCPS). Also called: Greig syndrome; GLI3-Related Greig Cephalopolysyndactyly Syndrome; POLYSYNDACTYLY WITH PECULIAR SKULL SHAPE. Identifiers: Orphanet 380, MedGen C0265306, MONDO:0008287, OMIM 175700.
Polydactyly. Also called: polydactylism. Identifiers: MedGen C0152427, MONDO:0021003, OMIM 603596, HP:0010442.
GLI3-related disorder. Also called: GLI3-related condition; GLI3-related disorders. Identifiers: MedGen CN239292.

Allele frequency attached by ClinVar (database versions not stated): gnomAD 0.00001; gnomAD exomes 0.00002; TOPMed 0.00002.
gnomAD v4.1: 28 of 1,613,520 alleles (0.0017%); highest among the groups gnomAD compares: East Asian, 0.0089%; no homozygotes.

Submissions (4):

PreventionGenetics, part of Exact Sciences
Classification: Likely benign for GLI3-related condition. Last evaluated: 2025-11-13. Review status: criteria provided, single submitter. Criteria: ACMG Guidelines, 2015. Collection method: clinical testing. Allele origin: germline.
Comment: This variant is classified as likely benign based on ACMG/AMP sequence variant interpretation guidelines (Richards et al. 2015 PMID: 25741868, with internal and published modifications).

Labcorp Genetics (formerly Invitae), Labcorp
Classification: Likely benign for Pallister-Hall syndrome; Greig cephalopolysyndactyly syndrome. Last evaluated: 2024-09-23. Review status: criteria provided, single submitter. Criteria: Invitae Variant Classification Sherloc (09022015). Collection method: clinical testing. Allele origin: germline.

Illumina Laboratory Services, Illumina
Classification: Uncertain significance for Greig cephalopolysyndactyly syndrome. Last evaluated: 2017-04-27. Review status: criteria provided, single submitter. Criteria: ICSL Variant Classification Criteria 13 December 2019. Collection method: clinical testing. Allele origin: germline.

Illumina Laboratory Services, Illumina
Classification: Uncertain significance for Polydactyly. Last evaluated: 2017-04-27. Review status: criteria provided, single submitter. Criteria: ICSL Variant Classification Criteria 13 December 2019. Collection method: clinical testing. Allele origin: germline.